The following is an entry in ClinVar:

ClinVar aggregate classification (germline): Benign. Review status: criteria provided, multiple submitters, no conflicts (2 of 4 stars). 3 submissions from 3 submitters: Benign (2). 1 of the submissions does not count toward it. Last evaluated 2020-08-19.

Conditions:
MYRF-related disorder. Also called: MYRF-related condition; MYRF-related disorders.

Allele frequency attached by ClinVar (database versions not stated): gnomAD 0.00034 and 0.00154; ESP Exome Variant Server 0.00038; TOPMed 0.00074; gnomAD exomes 0.00263 and 0.00518; ExAC 0.00633; 1000 Genomes Project 30x 0.00734; 1000 Genomes Project 0.00859.
gnomAD v4.1: 4,064 of 1,613,526 alleles (0.25%); highest among the groups gnomAD compares: South Asian, 4%; 130 homozygotes.

Submissions (3):

Genetic Services Laboratory, University of Chicago
Classification: Benign. Last evaluated: 2020-08-19. Review status: criteria provided, single submitter. Criteria: ACMG Guidelines, 2015. Collection method: clinical testing. Allele origin: germline. Affected: no.

Labcorp Genetics (formerly Invitae), Labcorp
Classification: Benign. Last evaluated: 2019-12-31. Review status: criteria provided, single submitter. Criteria: Invitae Variant Classification Sherloc (09022015). Collection method: clinical testing. Allele origin: germline.

PreventionGenetics, part of Exact Sciences
Classification: Benign for MYRF-related condition. Last evaluated: 2019-04-10. Review status: no assertion criteria provided. Collection method: clinical testing. Allele origin: germline. Not counted in ClinVar's aggregate classification.
Comment: This variant is classified as benign based on ACMG/AMP sequence variant interpretation guidelines (Richards et al. 2015 PMID: 25741868, with internal and published modifications).

NM_001127392.3(MYRF):c.1269C>T (p.Leu423=)

Gene: MYRF (myelin regulatory factor; plus strand). Cytogenetic location: 11q12.2.
Variant type: single nucleotide variant.
Coding change: c.1269C>T on transcript NM_001127392.3 (MANE Select); coding-DNA position 1269, C replaced by T.
Protein change: p.Leu423=; no amino-acid change (leucine 423 retained).
Molecular consequence: synonymous variant.
Genome position (GRCh38, 1-based): chr11:61,774,120, C>T. VCF-style: chr11-61774120-C-T. GRCh37 (hg19) VCF-style: chr11-61541592-C-T.
Other names: c.1242C>T, p.Leu414= (NM_013279.4).
Identifiers: ClinVar variation 720320 (VCV000720320.10), dbSNP rs143059056, ClinGen allele CA6037829.
Genomic context (GRCh38, chr11:61,774,120, plus strand): 5'-GGTGACAGTGTACATCGGCATGCTGGGCGAGCCCAAGTACGTCAAGACGCCCGAGGGCCT[C>T]AAGCCCCTCGACTGCTTCTATCTGAAGCTGCACGGAGTGAAGGCAAGTTTGGGGCTCAGC-3'
Protein context (NP_001120864.1, residues 413-433): EPKYVKTPEG[Leu423=]KPLDCFYLKL